The following is an entry in ClinVar:

ClinVar aggregate classification (germline): Benign. Review status: criteria provided, multiple submitters, no conflicts (2 of 4 stars). 5 submissions from 5 submitters: Benign (5). Last evaluated 2026-01-31.

Conditions:
Hypercalcemia, infantile, 1 (HCINF1). Identifiers: Orphanet 300547, MedGen CN031131, MONDO:0020739, OMIM 143880.

Allele frequency attached by ClinVar (database versions not stated): ExAC 0.01337; gnomAD 0.03967 and 0.04268; 1000 Genomes Project 0.04293; ESP Exome Variant Server 0.04383; TOPMed 0.04474; 1000 Genomes Project 30x 0.04513.

Submissions (5):

Labcorp Genetics (formerly Invitae), Labcorp
Classification: Benign. Last evaluated: 2026-01-31. Review status: criteria provided, single submitter. Criteria: Invitae Variant Classification Sherloc (09022015). Collection method: clinical testing. Allele origin: germline.

Mayo Clinic Laboratories, Mayo Clinic
Classification: Benign. Last evaluated: 2023-04-19. Review status: criteria provided, single submitter. Criteria: ACMG Guidelines, 2015. Collection method: clinical testing. Allele origin: germline. Observed: 8 variant alleles.

GeneDx
Classification: Benign. Last evaluated: 2020-12-01. Review status: criteria provided, single submitter. Criteria: GeneDx Variant Classification Process June 2021. Collection method: clinical testing. Allele origin: germline. Affected: yes.

Illumina Laboratory Services, Illumina
Classification: Benign for Hypercalcemia, infantile, 1. Last evaluated: 2018-01-13. Review status: criteria provided, single submitter. Criteria: ICSL Variant Classification Criteria 13 December 2019. Collection method: clinical testing. Allele origin: germline.
Comment: This variant was observed in the ICSL laboratory as part of a predisposition screen in an ostensibly healthy population. It had not been previously curated by ICSL or reported in the Human Gene Mutation Database (HGMD: prior to June 1st, 2018), and was therefore a candidate for classification through an automated scoring system. Utilizing variant allele frequency, disease prevalence and penetrance estimates, and inheritance mode, an automated score was calculated to assess if this variant is too frequent to cause the disease. Based on the score and internal cut-off values, a variant classified as benign is not then subjected to further curation. The score for this variant resulted in a classification of benign for this disease.

Breakthrough Genomics
Classification: Benign. Review status: criteria provided, single submitter. Criteria: ACMG Guidelines, 2015. Collection method: not provided. Allele origin: germline. Inheritance: Autosomal recessive inheritance. Affected: yes.

NM_000782.5(CYP24A1):c.1527C>T (p.Ile509=)

Gene: CYP24A1 (cytochrome P450 family 24 subfamily A member 1; minus strand). Cytogenetic location: 20q13.2.
Variant type: single nucleotide variant.
Coding change: c.1527C>T on transcript NM_000782.5 (MANE Select); coding-DNA position 1527, C replaced by T.
Protein change: p.Ile509=; no amino-acid change (isoleucine 509 retained).
Molecular consequence: synonymous variant.
Genome position (GRCh38, 1-based): chr20:54,157,197, G>A on the plus strand (C>T on the coding strand, the complement: CYP24A1 is on the minus strand). VCF-style: chr20-54157197-G-A. GRCh37 (hg19) VCF-style: chr20-52773736-G-A.
Other names: p.Ile509=; c.1329C>T, p.Ile443= (NM_001128915.2).
Identifiers: ClinVar variation 338811 (VCV000338811.18), dbSNP rs61730999, ClinGen allele CA9915745.
Genomic context (GRCh38, chr20:54,157,197, plus strand): 5'-TGCAGAGGATAATGAACCGCCTAGATGCTCACCTGAGGCGTATTATCGCTGGCAAAACGC[G>A]ATGGGGAGTTCCCGGCTGGGCACCAGGGTGCCTGAGTGTAGCATCTCAACAGGCTCATTG-3'
Protein context (NP_000773.2, residues 499-514): GTLVPSRELP[Ile509=]AFCQR